The following is an entry in ClinVar:

ClinVar aggregate classification (germline): Uncertain significance (1 of 4 stars; one submission).

Conditions:
Progressive encephalopathy with leukodystrophy due to DECR deficiency. Identifiers: Orphanet 431361, MedGen C1857252, MONDO:0014464, OMIM 616034.

Allele frequency attached by ClinVar (database versions not stated): gnomAD exomes 0.00001.
gnomAD v4.1: 6 of 1,184,718 alleles (0.00051%); highest among the groups gnomAD compares: Non-Finnish European, 0.00063%; no homozygotes.

Submission:

Labcorp Genetics (formerly Invitae), Labcorp
Classification: Uncertain significance for Progressive encephalopathy with leukodystrophy due to DECR deficiency. Last evaluated: 2025-06-20. Review status: criteria provided, single submitter. Criteria: Invitae Variant Classification Sherloc (09022015). Collection method: clinical testing. Allele origin: germline.
Comment: This sequence change replaces proline, which is neutral and non-polar, with leucine, which is neutral and non-polar, at codon 26 of the NADK2 protein (p.Pro26Leu). This variant is present in population databases (no rsID available, gnomAD 0.007%). This variant has not been reported in the literature in individuals affected with NADK2-related conditions. ClinVar contains an entry for this variant (Variation ID: 1481741). An algorithm developed to predict the effect of missense changes on protein structure and function (PolyPhen-2) suggests that this variant is likely to be tolerated. In summary, the available evidence is currently insufficient to determine the role of this variant in disease. Therefore, it has been classified as a Variant of Uncertain Significance.

NM_001085411.3(NADK2):c.77C>T (p.Pro26Leu)

Genes: NADK2 (NAD kinase 2, mitochondrial; minus strand), LOC129993801 (ATAC-STARR-seq lymphoblastoid silent region 15972; plus strand). Cytogenetic location: 5p13.2.
Variant type: single nucleotide variant.
Coding change: c.77C>T on transcript NM_001085411.3 (MANE Select); coding-DNA position 77, C replaced by T.
Protein change: p.Pro26Leu; replaces proline 26 with leucine.
Molecular consequence: missense variant. On other transcripts: intron variant (2).
Genome position (GRCh38, 1-based): chr5:36,241,722, G>A on the plus strand (C>T on the coding strand, the complement: NADK2 is on the minus strand). VCF-style: chr5-36241722-G-A. GRCh37 (hg19) VCF-style: chr5-36241824-G-A.
Other names: c.-190+374C>T (NM_153013.5, NM_001287341.2); short protein forms P26L.
Identifiers: ClinVar variation 1481741 (VCV001481741.6), dbSNP rs1246877651, ClinGen allele CA359448050.